The following is an entry in ClinVar:

ClinVar aggregate classification (germline): Uncertain significance (1 of 4 stars; one submission).

gnomAD v4.1: 3 of 1,613,836 alleles (0.00019%); highest among the groups gnomAD compares: Non-Finnish European, 0.00025%; no homozygotes.

Submission:

GeneDx
Classification: Uncertain significance. Last evaluated: 2025-08-05. Review status: criteria provided, single submitter. Criteria: GeneDx Variant Classification Process June 2021. Collection method: clinical testing. Allele origin: germline. Affected: yes.
Comment: Not observed at significant frequency in large population cohorts (gnomAD); In silico analysis supports that this missense variant has a deleterious effect on protein structure/function; Has not been previously published as pathogenic or benign to our knowledge

NM_006828.4(ASCC3):c.3374G>T (p.Ser1125Ile)

Gene: ASCC3 (activating signal cointegrator 1 complex subunit 3; minus strand). Cytogenetic location: 6q16.3.
Variant type: single nucleotide variant.
Coding change: c.3374G>T on transcript NM_006828.4 (MANE Select); coding-DNA position 3374, G replaced by T.
Protein change: p.Ser1125Ile; replaces serine 1125 with isoleucine.
Molecular consequence: missense variant.
Genome position (GRCh38, 1-based): chr6:100,647,330, C>A on the plus strand (G>T on the coding strand, the complement: ASCC3 is on the minus strand). VCF-style: chr6-100647330-C-A. GRCh37 (hg19) VCF-style: chr6-101095206-C-A.
Other names: short protein forms S1125I.
Identifiers: ClinVar variation 4755818 (VCV004755818.1).